The following is an entry in ClinVar:

NM_194255.4(SLC19A1):c.80A>G (p.His27Arg)

Gene: SLC19A1 (solute carrier family 19 member 1; minus strand). Cytogenetic location: 21q22.3.
Variant type: single nucleotide variant.
Coding change: c.80A>G on transcript NM_194255.4 (MANE Select); coding-DNA position 80, A replaced by G.
Protein change: p.His27Arg; replaces histidine 27 with arginine.
Molecular consequence: missense variant. On other transcripts: 5 prime UTR variant (1).
Genome position (GRCh38, 1-based): chr21:45,537,880, T>C on the plus strand (A>G on the coding strand, the complement: SLC19A1 is on the minus strand). VCF-style: chr21-45537880-T-C. GRCh37 (hg19) VCF-style: chr21-46957794-T-C.
Other names: RFC G80A; c.80A>G, p.His27Arg (NM_001205206.4, NM_001352511.3, NM_001352512.2); c.-279A>G (NM_001352510.2); short protein forms H27R.
Identifiers: ClinVar variation 157588 (VCV000157588.11), dbSNP rs1051266, ClinGen allele CA170984.

ClinVar aggregate classification (germline): drug response. Review status: reviewed by expert panel (3 of 4 stars). 5 submissions from 5 submitters: drug response (1). 4 of the submissions do not count toward it. Last evaluated 2021-03-24.

Conditions:
Gastrointestinal stromal tumor. Also called: Gastrointestinal stromal tumor, somatic; Gastrointestinal stroma tumor. Identifiers: Orphanet 44890, MedGen C0238198, MeSH D046152, MONDO:0011719, OMIM 606764, HP:0100723.
Lung cancer. Also called: Malignant tumor of lung; Lung cancer, somatic. Identifiers: MedGen C0242379, MONDO:0008903, OMIM 211980.
methotrexate response - Efficacy. Identifiers: MedGen CN322736.

Allele frequency attached by ClinVar (database versions not stated): 1000 Genomes Project 30x 0.48626; 1000 Genomes Project 0.48862; ESP Exome Variant Server 0.50932; TOPMed 0.51246; gnomAD 0.51413 and 0.51696; ExAC 0.57697.
gnomAD v4.1: 889,840 of 1,600,100 alleles (56%); highest among the groups gnomAD compares: South Asian, 59%; 249,464 homozygotes.

Submissions (5):

ClinPGx
Classification: drug response for methotrexate response - Efficacy. Last evaluated: 2021-03-24. Review status: reviewed by expert panel. Criteria: Pharmacogenomics knowledge for personalized medicine. Collection method: curation. Allele origin: germline. Affected: yes.
Comment: PharmGKB Level of Evidence 2A: Variants in Level 2A clinical annotations are found in PharmGKB’s Tier 1 Very Important Pharmacogenes (VIPs). These variants are in known pharmacogenes, implying causation of drug phenotype is more likely. These clinical annotations describe variant-drug combinations with a moderate level of evidence supporting the association. For example, the association may be found in multiple cohorts, but there may be a minority of studies that do not support the majority assertion. Level 2A clinical annotations must be supported by at least two independent publications.

Drug is not necessarily used to treat response condition

Labcorp Genetics (formerly Invitae), Labcorp
Classification: Benign. Last evaluated: 2026-02-03. Review status: criteria provided, single submitter. Criteria: Invitae Variant Classification Sherloc (09022015). Collection method: clinical testing. Allele origin: germline. Not counted in ClinVar's aggregate classification.

Mayo Clinic Laboratories, Mayo Clinic
Classification: Benign. Last evaluated: 2025-07-14. Review status: criteria provided, single submitter. Criteria: ACMG Guidelines, 2015. Collection method: clinical testing. Allele origin: germline. Observed: 1 variant allele. Not counted in ClinVar's aggregate classification.
Comment: BA1, BS2, BP4

Department of Pharmacy and Biotechnology, University of Bologna
Classification: Uncertain significance for Gastrointestinal Stromal Tumors. Review status: no assertion criteria provided. Collection method: case-control. Allele origin: germline. Affected: yes. Observed: 38 variant alleles, 31 heterozygotes, 7 homozygotes. Not counted in ClinVar's aggregate classification.

Scientific Research Center, Shenzhen Evergreen Medical Institute
Classification: Likely pathogenic for Lung cancer. Review status: no assertion criteria provided. Collection method: case-control. Allele origin: germline. Affected: yes. Observed: 714 variant alleles, 549 heterozygotes, 165 homozygotes. Clinical features observed: Lung adenocarcinoma (HP:0030078). Not counted in ClinVar's aggregate classification.

Literature cited by the submitters: PubMed 15457444 (cited by ClinPGx); PubMed 15677700 (cited by ClinPGx); PubMed 17325736 (cited by ClinPGx); PubMed 18322994 (cited by ClinPGx); PubMed 19827168 (cited by ClinPGx); PubMed 22450926 (cited by ClinPGx); PubMed 26616421 (cited by ClinPGx); PubMed 27992285 (cited by ClinPGx); PubMed 31099054 (cited by ClinPGx); PubMed 25227144 (cited by Department of Pharmacy and Biotechnology, University of Bologna and Scientific Research Center, Shenzhen Evergreen Medical Institute).